The following is an entry in ClinVar:

ClinVar aggregate classification (germline): Benign. Review status: criteria provided, multiple submitters, no conflicts (2 of 4 stars). 3 submissions from 3 submitters: Benign (3). Last evaluated 2026-02-03.

Allele frequency attached by ClinVar (database versions not stated): gnomAD exomes 0.00139 and 0.00331; ExAC 0.01131; gnomAD 0.01652 and 0.01782; 1000 Genomes Project 0.01757; 1000 Genomes Project 30x 0.01780; ESP Exome Variant Server 0.01806; TOPMed 0.01820.
gnomAD v4.1: 4,164 of 1,285,874 alleles (0.32%); highest among the groups gnomAD compares: African/African-American, 5.9%; 116 homozygotes.

Submissions (3):

Labcorp Genetics (formerly Invitae), Labcorp
Classification: Benign. Last evaluated: 2026-02-03. Review status: criteria provided, single submitter. Criteria: Invitae Variant Classification Sherloc (09022015). Collection method: clinical testing. Allele origin: germline.

GeneDx
Classification: Benign. Last evaluated: 2016-08-02. Review status: criteria provided, single submitter. Criteria: GeneDx Variant Classification (06012015). Collection method: clinical testing. Allele origin: germline. Affected: yes.
Comment: This variant is considered likely benign or benign based on one or more of the following criteria: it is a conservative change, it occurs at a poorly conserved position in the protein, it is predicted to be benign by multiple in silico algorithms, and/or has population frequency not consistent with disease.

Breakthrough Genomics
Classification: Benign. Review status: criteria provided, single submitter. Criteria: ACMG Guidelines, 2015. Collection method: not provided. Allele origin: germline. Inheritance: Autosomal dominant inheritance. Affected: yes.

NM_001098511.3(KIF2A):c.1028-16A>G

Gene: KIF2A (kinesin family member 2A; plus strand). Cytogenetic location: 5q12.1.
Variant type: single nucleotide variant.
Coding change: c.1028-16A>G on transcript NM_001098511.3 (MANE Select); 16 bases into the intron before coding-DNA position 1028, A replaced by G.
Molecular consequence: intron variant.
Genome position (GRCh38, 1-based): chr5:62,362,434, A>G. VCF-style: chr5-62362434-A-G. GRCh37 (hg19) VCF-style: chr5-61658261-A-G.
Other names: c.947-16A>G (NM_001243952.2); c.1028-16A>G (NM_004520.5); c.971-16A>G (NM_001243953.2).
Identifiers: ClinVar variation 382902 (VCV000382902.10), dbSNP rs115737020, ClinGen allele CA3278920.